The following is an entry in ClinVar:

ClinVar aggregate classification (germline): Uncertain significance (1 of 4 stars; one submission).

Allele frequency attached by ClinVar (database versions not stated): gnomAD 0.00001; TOPMed 0.00001; ExAC 0.00002; gnomAD exomes 0.00002; ESP Exome Variant Server 0.00008.
gnomAD v4.1: 35 of 1,613,974 alleles (0.0022%); highest among the groups gnomAD compares: South Asian, 0.0055%; no homozygotes.

Submission:

Labcorp Genetics (formerly Invitae), Labcorp
Classification: Uncertain significance. Last evaluated: 2022-07-03. Review status: criteria provided, single submitter. Criteria: Invitae Variant Classification Sherloc (09022015). Collection method: clinical testing. Allele origin: germline.
Comment: This sequence change replaces proline, which is neutral and non-polar, with leucine, which is neutral and non-polar, at codon 1929 of the SORL1 protein (p.Pro1929Leu). This variant is present in population databases (rs371030110, gnomAD 0.01%). In summary, the available evidence is currently insufficient to determine the role of this variant in disease. Therefore, it has been classified as a Variant of Uncertain Significance. Algorithms developed to predict the effect of missense changes on protein structure and function are either unavailable or do not agree on the potential impact of this missense change (SIFT: "Tolerated"; PolyPhen-2: "Probably Damaging"; Align-GVGD: "Class C0"). This variant has not been reported in the literature in individuals affected with SORL1-related conditions.

NM_003105.6(SORL1):c.5786C>T (p.Pro1929Leu)

Gene: SORL1 (sortilin related receptor 1; plus strand). Cytogenetic location: 11q24.1.
Variant type: single nucleotide variant.
Coding change: c.5786C>T on transcript NM_003105.6 (MANE Select); coding-DNA position 5786, C replaced by T.
Protein change: p.Pro1929Leu; replaces proline 1929 with leucine.
Molecular consequence: missense variant.
Genome position (GRCh38, 1-based): chr11:121,619,814, C>T. VCF-style: chr11-121619814-C-T. GRCh37 (hg19) VCF-style: chr11-121490523-C-T.
Other names: short protein forms P1929L.
Identifiers: ClinVar variation 1967217 (VCV001967217.5), dbSNP rs371030110, ClinGen allele CA6330067.
Genomic context (GRCh38, chr11:121,619,814, plus strand): 5'-TCCGTGTAGTGGTACCCTACCAGGGGCCATCCTCTGACTACGTTGTAGTGAAGATGATCC[C>T]GGACAGCAGGCTTCCACCCCGTCACCTGCATGTGGTTCATACGGGCAAAACCTCCGTGGT-3'
Protein context (NP_003096.2, residues 1919-1939): SSDYVVVKMI[Pro1929Leu]DSRLPPRHLH